The following is an entry in ClinVar:

ClinVar aggregate classification (germline): Conflicting classifications of pathogenicity. Review status: criteria provided, conflicting classifications (1 of 4 stars). 6 submissions from 6 submitters: Uncertain significance (2); Likely benign (4). Last evaluated 2026-01-13.

Conditions:
Hereditary cancer-predisposing syndrome. Also called: Hereditary neoplastic syndrome; Neoplastic Syndromes, Hereditary; Hereditary Cancer Syndrome; Tumor predisposition. Identifiers: Orphanet 140162, MedGen C0027672, MeSH D009386, MONDO:0015356.
Tietz syndrome (TADS). Also called: HYPOPIGMENTATION/DEAFNESS OF TIETZ; ALBINISM-DEAFNESS OF TIETZ; TIETZ ALBINISM-DEAFNESS SYNDROME. Identifiers: Orphanet 42665, MedGen C0391816, MONDO:0007077, OMIM 103500.
Waardenburg syndrome type 2A (WS2A). Also called: WAARDENBURG SYNDROME WITHOUT DYSTOPIA CANTHORUM. Identifiers: Orphanet 3440, MedGen C1860339, MONDO:0008671, OMIM 193510.
Melanoma, cutaneous malignant, susceptibility to, 8. Also called: MELANOMA AND RENAL CELL CARCINOMA, SUSCEPTIBILITY TO; Cutaneous malignant melanoma 8. Identifiers: Orphanet 293822, MedGen C3152204, MONDO:0013759, OMIM 614456.

Allele frequency attached by ClinVar (database versions not stated): TOPMed 0.00002; ExAC 0.00003; ESP Exome Variant Server 0.00008; 1000 Genomes Project 30x 0.00016; 1000 Genomes Project 0.00020.
gnomAD v4.1: 57 of 1,614,094 alleles (0.0035%); highest among the groups gnomAD compares: Middle Eastern, 0.082%; 1 homozygote.

Submissions (6):

Labcorp Genetics (formerly Invitae), Labcorp
Classification: Likely benign for Melanoma, cutaneous malignant, susceptibility to, 8; Waardenburg syndrome type 2A; Tietz syndrome. Last evaluated: 2026-01-13. Review status: criteria provided, single submitter. Criteria: Invitae Variant Classification Sherloc (09022015). Collection method: clinical testing. Allele origin: germline.

Ambry Genetics
Classification: Likely benign for Hereditary cancer-predisposing syndrome. Last evaluated: 2024-12-08. Review status: criteria provided, single submitter. Criteria: Ambry Variant Classification Scheme 2023. Collection method: clinical testing. Allele origin: germline.

Blueprint Genetics
Classification: Likely benign. Last evaluated: 2024-09-23. Review status: criteria provided, single submitter. Criteria: ACMG Guidelines, 2015. Collection method: clinical testing. Allele origin: germline.

CeGaT Center for Human Genetics Tuebingen
Classification: Uncertain significance. Last evaluated: 2024-05-01. Review status: criteria provided, single submitter. Criteria: CeGaT Center For Human Genetics Tuebingen Variant Classification Criteria Version 2. Collection method: clinical testing. Allele origin: germline. Affected: yes. Observed: 1 variant allele.
Comment: MITF: PM2:Supporting, BP4

GeneDx
Classification: Likely benign. Last evaluated: 2020-06-09. Review status: criteria provided, single submitter. Criteria: GeneDx Variant Classification Process June 2021. Collection method: clinical testing. Allele origin: germline. Affected: yes.

Eurofins Ntd Llc (ga)
Classification: Uncertain significance. Last evaluated: 2017-02-01. Review status: criteria provided, single submitter. Criteria: EGL Classification Definitions 2015. Collection method: clinical testing. Allele origin: germline. Observed: 1 variant allele, 1 heterozygote.

NM_001354604.2(MITF):c.639C>T (p.Asn213=)

Gene: MITF (melanocyte inducing transcription factor; plus strand). Cytogenetic location: 3p13.
Variant type: single nucleotide variant.
Coding change: c.639C>T on transcript NM_001354604.2 (MANE Select); coding-DNA position 639, C replaced by T.
Protein change: p.Asn213=; no amino-acid change (asparagine 213 retained).
Molecular consequence: synonymous variant.
Genome position (GRCh38, 1-based): chr3:69,939,154, C>T. VCF-style: chr3-69939154-C-T. GRCh37 (hg19) VCF-style: chr3-69988305-C-T.
Other names: c.318C>T, p.Asn106= (NM_000248.4, NM_198158.3); c.483C>T, p.Asn161= (NM_001184967.2, NM_001354608.2); c.636C>T, p.Asn212= (NM_001354605.2, NM_001354606.2, NM_006722.3); c.588C>T, p.Asn196= (NM_001354607.2); c.639C>T, p.Asn213= (NM_198159.3); c.591C>T, p.Asn197= (NM_198177.3); c.150C>T, p.Asn50= (NM_198178.3).
Identifiers: ClinVar variation 499959 (VCV000499959.36), dbSNP rs137944487, ClinGen allele CA2490408.